The following is an entry in ClinVar:

ClinVar aggregate classification (germline): Uncertain significance (1 of 4 stars; one submission).

Allele frequency attached by ClinVar (database versions not stated): gnomAD exomes 0.00001.
gnomAD v4.1: 8 of 1,614,112 alleles (0.0005%); highest among the groups gnomAD compares: Non-Finnish European, 0.00068%; no homozygotes.

Submission:

Labcorp Genetics (formerly Invitae), Labcorp
Classification: Uncertain significance. Last evaluated: 2022-11-06. Review status: criteria provided, single submitter. Criteria: Invitae Variant Classification Sherloc (09022015). Collection method: clinical testing. Allele origin: germline.
Comment: This sequence change replaces tyrosine, which is neutral and polar, with cysteine, which is neutral and slightly polar, at codon 222 of the ERBB4 protein (p.Tyr222Cys). This variant is not present in population databases (gnomAD no frequency). This variant has not been reported in the literature in individuals affected with ERBB4-related conditions. Advanced modeling of protein sequence and biophysical properties (such as structural, functional, and spatial information, amino acid conservation, physicochemical variation, residue mobility, and thermodynamic stability) performed at Invitae indicates that this missense variant is not expected to disrupt ERBB4 protein function. In summary, the available evidence is currently insufficient to determine the role of this variant in disease. Therefore, it has been classified as a Variant of Uncertain Significance.

NM_005235.3(ERBB4):c.665A>G (p.Tyr222Cys)

Gene: ERBB4 (erb-b2 receptor tyrosine kinase 4; minus strand). Cytogenetic location: 2q34.
Variant type: single nucleotide variant.
Coding change: c.665A>G on transcript NM_005235.3 (MANE Select); coding-DNA position 665, A replaced by G.
Protein change: p.Tyr222Cys; replaces tyrosine 222 with cysteine.
Molecular consequence: missense variant.
Genome position (GRCh38, 1-based): chr2:211,725,152, T>C on the plus strand (A>G on the coding strand, the complement: ERBB4 is on the minus strand). VCF-style: chr2-211725152-T-C. GRCh37 (hg19) VCF-style: chr2-212589877-T-C.
Other names: c.665A>G, p.Tyr222Cys (NM_001042599.2); short protein forms Y222C.
Identifiers: ClinVar variation 2987080 (VCV002987080.3), dbSNP rs2074225317, ClinGen allele CA350444879.
Genomic context (GRCh38, chr2:211,725,152, plus strand): 5'-TTAGGTCCTGAGCAGCCTCCAGCACATTCTCGATGGCAGCAGTCACTGACGTAAGGTCCG[T>C]AGCATCTGCCGTCACATTGTTCTGCACACACCGTCCTTGTCACTGCAGAAGACAGAGATA-3'
Protein context (NP_005226.1, residues 212-232): VCAEQCDGRC[Tyr222Cys]GPYVSDCCHR